The following is an entry in ClinVar:

NM_015073.3(SIPA1L3):c.5292C>T (p.Ser1764=)

Gene: SIPA1L3 (signal induced proliferation associated 1 like 3; plus strand). Cytogenetic location: 19q13.2.
Variant type: single nucleotide variant.
Coding change: c.5292C>T on transcript NM_015073.3 (MANE Select); coding-DNA position 5292, C replaced by T.
Protein change: p.Ser1764=; no amino-acid change (serine 1764 retained).
Molecular consequence: synonymous variant.
Genome position (GRCh38, 1-based): chr19:38,206,186, C>T. VCF-style: chr19-38206186-C-T. GRCh37 (hg19) VCF-style: chr19-38696826-C-T.
Other names: c.5292C>T (NM_015073.2).
Identifiers: ClinVar variation 2721976 (VCV002721976.4), dbSNP rs147184342, ClinGen allele CA9410632.

ClinVar aggregate classification (germline): Benign/Likely benign. Review status: criteria provided, multiple submitters, no conflicts (2 of 4 stars). 2 submissions from 2 submitters: Benign (1); Likely benign (1). Last evaluated 2025-06-30.

Conditions:
SIPA1L3-related disorder. Also called: SIPA1L3-related condition.

Allele frequency attached by ClinVar (database versions not stated): gnomAD exomes 0.00025; gnomAD 0.00038; 1000 Genomes Project 0.00120; ExAC 0.00064; TOPMed 0.00065; 1000 Genomes Project 30x 0.00094.
gnomAD v4.1: 421 of 1,556,894 alleles (0.027%); highest among the groups gnomAD compares: East Asian, 0.8%; 3 homozygotes.

Submissions (2):

PreventionGenetics, part of Exact Sciences
Classification: Likely benign for SIPA1L3-related condition. Last evaluated: 2025-06-30. Review status: criteria provided, single submitter. Criteria: ACMG Guidelines, 2015. Collection method: clinical testing. Allele origin: germline.
Comment: This variant is classified as likely benign based on ACMG/AMP sequence variant interpretation guidelines (Richards et al. 2015 PMID: 25741868, with internal and published modifications).

Labcorp Genetics (formerly Invitae), Labcorp
Classification: Benign. Last evaluated: 2025-03-18. Review status: criteria provided, single submitter. Criteria: Invitae Variant Classification Sherloc (09022015). Collection method: clinical testing. Allele origin: germline.